The following is an entry in ClinVar:

ClinVar aggregate classification (germline): Uncertain significance (1 of 4 stars; one submission).

Submission:

Ambry Genetics
Classification: Uncertain significance. Last evaluated: 2024-12-28. Review status: criteria provided, single submitter. Criteria: Ambry Variant Classification Scheme 2023. Collection method: clinical testing. Allele origin: germline.
Comment: The p.G18V variant (also known as c.53G>T), located in coding exon 1 of the WNK2 gene, results from a G to T substitution at nucleotide position 53. The glycine at codon 18 is replaced by valine, an amino acid with dissimilar properties. This amino acid position is conserved. In addition, this alteration is predicted to be tolerated by in silico analysis. Based on the available evidence, the clinical significance of this variant remains unclear.

NM_006648.4(WNK2):c.53G>T (p.Gly18Val)

Gene: WNK2 (WNK lysine deficient protein kinase 2; plus strand). Cytogenetic location: 9q22.31.
Variant type: single nucleotide variant.
Coding change: c.53G>T on transcript NM_006648.4 (MANE Select); coding-DNA position 53, G replaced by T.
Protein change: p.Gly18Val; replaces glycine 18 with valine.
Molecular consequence: missense variant.
Genome position (GRCh38, 1-based): chr9:93,184,982, G>T. VCF-style: chr9-93184982-G-T. GRCh37 (hg19) VCF-style: chr9-95947264-G-T.
Other names: c.53G>T, p.Gly18Val (NM_001282394.3); short protein forms G18V.
Identifiers: ClinVar variation 3816650 (VCV003816650.1).